The following is an entry in ClinVar:

NM_182643.3(DLC1):c.2625C>T (p.Arg875=)

Gene: DLC1 (DLC1 Rho GTPase activating protein; minus strand). Cytogenetic location: 8p22.
Variant type: single nucleotide variant.
Coding change: c.2625C>T on transcript NM_182643.3 (MANE Select); coding-DNA position 2625, C replaced by T.
Protein change: p.Arg875=; no amino-acid change (arginine 875 retained).
Molecular consequence: synonymous variant.
Genome position (GRCh38, 1-based): chr8:13,099,712, G>A on the plus strand (C>T on the coding strand, the complement: DLC1 is on the minus strand). VCF-style: chr8-13099712-G-A. GRCh37 (hg19) VCF-style: chr8-12957221-G-A.
Other names: c.1092C>T, p.Arg364= (NM_001164271.2, NM_001348082.2, NM_001348083.1 and 6 more transcripts); c.1416C>T, p.Arg472= (NM_001316668.2, NM_001413129.1); c.2625C>T, p.Arg875= (NM_001348081.2, NM_001413124.1); c.1407C>T, p.Arg469= (NM_001413130.1); c.1065C>T, p.Arg355= (NM_001413131.1, NM_001413137.1); c.1551C>T, p.Arg517= (NM_001413132.1); c.1314C>T, p.Arg438= (NM_001413135.1, NM_001413136.1, NM_001413139.1 and 1 more transcripts); c.1449C>T, p.Arg483= (NM_001413140.1).
Identifiers: ClinVar variation 3349518 (VCV003349518.2).

ClinVar aggregate classification (germline): Likely benign. Review status: criteria provided, single submitter (1 of 4 stars). 2 submissions from 2 submitters: Likely benign (1). 1 of the submissions does not count toward it. Last evaluated 2026-01-04.

Conditions:
DLC1-related disorder. Also called: DLC1-related condition.

gnomAD v4.1: 20 of 1,614,170 alleles (0.0012%); highest among the groups gnomAD compares: South Asian, 0.018%; no homozygotes.

Submissions (2):

Labcorp Genetics (formerly Invitae), Labcorp
Classification: Likely benign. Last evaluated: 2026-01-04. Review status: criteria provided, single submitter. Criteria: Invitae Variant Classification Sherloc (09022015). Collection method: clinical testing. Allele origin: germline.

PreventionGenetics, part of Exact Sciences
Classification: Likely benign for DLC1-related condition. Last evaluated: 2024-03-28. Review status: no assertion criteria provided. Collection method: clinical testing. Allele origin: germline. Not counted in ClinVar's aggregate classification.
Comment: This variant is classified as likely benign based on ACMG/AMP sequence variant interpretation guidelines (Richards et al. 2015 PMID: 25741868, with internal and published modifications).